The following is an entry in ClinVar:

ClinVar aggregate classification (germline): Benign/Likely benign. Review status: criteria provided, multiple submitters, no conflicts (2 of 4 stars). 3 submissions from 3 submitters: Benign (1); Likely benign (2). Last evaluated 2025-05-02.

Conditions:
Hereditary cancer-predisposing syndrome. Also called: Neoplastic Syndromes, Hereditary; Tumor predisposition; Hereditary Cancer Syndrome; Hereditary neoplastic syndrome. Identifiers: Orphanet 140162, MedGen C0027672, MeSH D009386, MONDO:0015356.
Hereditary leiomyomatosis and renal cell cancer. Also called: MULTIPLE CUTANEOUS AND UTERINE LEIOMYOMATA 1, WITH OR WITHOUT RENAL CELL CARCINOMA; LEIOMYOMA, MULTIPLE CUTANEOUS; Reed syndrome; Multiple cutaneous and uterine leiomyomatosis; Cutaneous leiomyomata with uterine leiomyomata; Leiomyoma, hereditary multiple, of skin. Identifiers: Orphanet 523, MedGen C1708350, MONDO:0007888, OMIM 150800, HP:0007437. Disease mechanism: loss of function.

gnomAD v4.1: 2 of 1,614,056 alleles (0.00012%); highest among the groups gnomAD compares: African/African-American, 0.0027%; no homozygotes.

Submissions (3):

Ambry Genetics
Classification: Likely benign for Hereditary cancer-predisposing syndrome. Last evaluated: 2025-05-02. Review status: criteria provided, single submitter. Criteria: Ambry Variant Classification Scheme 2023. Collection method: clinical testing. Allele origin: germline.

Myriad Genetics, Inc.
Classification: Benign for Hereditary leiomyomatosis and renal cell cancer. Last evaluated: 2024-10-21. Review status: criteria provided, single submitter. Criteria: Myriad Autosomal Dominant, Autosomal Recessive and X-Linked Classification Criteria (2023). Collection method: clinical testing. Allele origin: unknown.
Comment: This variant is considered benign. This variant is a silent/synonymous amino acid change and it is not expected to impact splicing.

Labcorp Genetics (formerly Invitae), Labcorp
Classification: Likely benign. Last evaluated: 2024-04-24. Review status: criteria provided, single submitter. Criteria: Invitae Variant Classification Sherloc (09022015). Collection method: clinical testing. Allele origin: germline.

NM_000143.4(FH):c.1179T>A (p.Ala393=)

Gene: FH (fumarate hydratase; minus strand). Cytogenetic location: 1q43.
Variant type: single nucleotide variant.
Coding change: c.1179T>A on transcript NM_000143.4 (MANE Select); coding-DNA position 1179, T replaced by A.
Protein change: p.Ala393=; no amino-acid change (alanine 393 retained).
Molecular consequence: synonymous variant.
Genome position (GRCh38, 1-based): chr1:241,502,500, A>T on the plus strand (T>A on the coding strand, the complement: FH is on the minus strand). VCF-style: chr1-241502500-A-T. GRCh37 (hg19) VCF-style: chr1-241665800-A-T.
Identifiers: ClinVar variation 3665972 (VCV003665972.4).
Genomic context (GRCh38, chr1:241,502,500, plus strand): 5'-TACCATCATTGGCTTGAAAACATTCAACTCAAAATGTCCATTGCTGCCTCCGACAGTGAC[A>T]GCAACATGGTTCCCCATGACTTGGGCTGCAACCATGGTCATTGCTTCACACTGAGTAGGG-3'
Protein context (NP_000134.2, residues 383-403): VAAQVMGNHV[Ala393=]VTVGGSNGHF